The following is an entry in ClinVar:

NM_001999.4(FBN2):c.4474A>T (p.Ile1492Phe)

Gene: FBN2 (fibrillin 2; minus strand). Cytogenetic location: 5q23.3.
Variant type: single nucleotide variant.
Coding change: c.4474A>T on transcript NM_001999.4 (MANE Select); coding-DNA position 4474, A replaced by T.
Protein change: p.Ile1492Phe; replaces isoleucine 1492 with phenylalanine.
Molecular consequence: missense variant.
Genome position (GRCh38, 1-based): chr5:128,318,999, T>A on the plus strand (A>T on the coding strand, the complement: FBN2 is on the minus strand). VCF-style: chr5-128318999-T-A. GRCh37 (hg19) VCF-style: chr5-127654691-T-A.
Other names: short protein forms I1492F.
Identifiers: ClinVar variation 213329 (VCV000213329.2), dbSNP rs775167440, ClinGen allele CA324830.
Genomic context (GRCh38, chr5:128,318,999, plus strand): 5'-TTCCAGGCAGGTTATTACATGTTCCAAAGACACAAATGTTTTGGAAGGAGCATTCATCAA[T>A]ATCTGAAGATTTTAAAAAAAAGTAATCTCTTATTTAAGAAGACATTTTAAAATTTTAATG-3'
Protein context (NP_001990.2, residues 1482-1502): PASDSRSCQD[Ile1492Phe]DECSFQNICV

ClinVar aggregate classification (germline): Uncertain significance (1 of 4 stars; one submission).

Submission:

GeneDx
Classification: Uncertain significance. Last evaluated: 2014-02-09. Review status: criteria provided, single submitter. Criteria: GeneDx Variant Classification (06012015). Collection method: clinical testing. Allele origin: germline. Affected: yes.
Comment: p.Ile1492Phe (ATT>TTT): c.4474 A>T in exon 35 of the FBN2 gene (NM_001999.3) The I1492F variant in the FBN2 gene has not been reported as a disease-causing mutation or as a benign polymorphism to our knowledge. The I1492F variant was not observed in approximately 6,500 individuals of European and African American ancestry in the NHLBI Exome Sequencing Project, indicating it is not a common benign variant in these populations. The I1492F variant is a conservative amino acid substitution as these residues share similar properties, and are least likely to impact secondary structure. The I1492 residue is conserved across species. In silico analysis predicts I1492F is probably damaging to the protein structure/function. Nevertheless, no mutations in nearby residues have been reported in association with congenital contractural arachnodactyly, indicating this region of the protein may be tolerant of change. With the clinical and molecular information available at this time, we cannot definitively determine if I1492F is a disease-causing mutation or a rare benign variant. This variant was found in TAAD